The following is an entry in ClinVar:

ClinVar aggregate classification (germline): Uncertain significance (1 of 4 stars; one submission).

Submission:

GeneDx
Classification: Uncertain significance. Last evaluated: 2026-03-24. Review status: criteria provided, single submitter. Criteria: GeneDx Variant Classification Process June 2021. Collection method: clinical testing. Allele origin: germline.
Comment: Not observed at significant frequency in large population cohorts (gnomAD); In silico analysis suggests that this missense variant does not alter protein structure/function; Has not been previously published as pathogenic or benign to our knowledge

NM_004595.5(SMS):c.286A>G (p.Arg96Gly)

Gene: SMS (spermine synthase; plus strand). Cytogenetic location: Xp22.11.
Variant type: single nucleotide variant.
Coding change: c.286A>G on transcript NM_004595.5 (MANE Select); coding-DNA position 286, A replaced by G.
Protein change: p.Arg96Gly; replaces arginine 96 with glycine.
Molecular consequence: missense variant. On other transcripts: intron variant (1).
Genome position (GRCh38, 1-based): chrX:21,972,528, A>G. VCF-style: chrX-21972528-A-G. GRCh37 (hg19) VCF-style: chrX-21990646-A-G.
Other names: c.171-4533A>G (NM_001258423.2); short protein forms R96G.
Identifiers: ClinVar variation 5017230 (VCV005017230.1).
Genomic context (GRCh38, chrX:21,972,528, plus strand): 5'-CTTATTCTACAAGCCCATTGATTTTTCTTTTAATTGTAGATTTTGAACAAAGTAGAGGAA[A>G]GAATGAAAGAATTGAGTCAGGACAGTACTGGGCGGGTGAAACGGTAAGTCCACTCTTGAA-3'
Protein context (NP_004586.2, residues 86-106): IDSILNKVEE[Arg96Gly]MKELSQDSTG